The following is an entry in ClinVar:

ClinVar aggregate classification (germline): Uncertain significance. Review status: criteria provided, multiple submitters, no conflicts (2 of 4 stars). 2 submissions from 2 submitters: Uncertain significance (2). Last evaluated 2022-03-27.

Conditions:
Immunodeficiency, common variable, 14. Identifiers: Orphanet 696904, MedGen C4540380, MONDO:0054691, OMIM 617765.

Submissions (2):

Labcorp Genetics (formerly Invitae), Labcorp
Classification: Uncertain significance. Last evaluated: 2022-03-27. Review status: criteria provided, single submitter. Criteria: Invitae Variant Classification Sherloc (09022015). Collection method: clinical testing. Allele origin: germline.
Comment: ClinVar contains an entry for this variant (Variation ID: 1030391). Algorithms developed to predict the effect of missense changes on protein structure and function are either unavailable or do not agree on the potential impact of this missense change (SIFT: "Deleterious"; PolyPhen-2: "Possibly Damaging"; Align-GVGD: "Class C0"). This variant is not present in population databases (gnomAD no frequency). This variant has not been reported in the literature in individuals affected with IRF2BP2-related conditions. In summary, the available evidence is currently insufficient to determine the role of this variant in disease. Therefore, it has been classified as a Variant of Uncertain Significance. This sequence change replaces arginine, which is basic and polar, with glycine, which is neutral and non-polar, at codon 179 of the IRF2BP2 protein (p.Arg179Gly).

Baylor Genetics
Classification: Uncertain significance for Immunodeficiency, common variable, 14. Last evaluated: 2020-06-03. Review status: criteria provided, single submitter. Criteria: ACMG Guidelines, 2015. Collection method: clinical testing. Allele origin: unknown. Affected: yes.
Comment: This variant was determined to be of uncertain significance according to ACMG Guidelines, 2015 [PMID:25741868].

NM_182972.3(IRF2BP2):c.535C>G (p.Arg179Gly)

Gene: IRF2BP2 (interferon regulatory factor 2 binding protein 2; minus strand). Cytogenetic location: 1q42.3.
Variant type: single nucleotide variant.
Coding change: c.535C>G on transcript NM_182972.3 (MANE Select); coding-DNA position 535, C replaced by G.
Protein change: p.Arg179Gly; replaces arginine 179 with glycine.
Molecular consequence: missense variant.
Genome position (GRCh38, 1-based): chr1:234,608,960, G>C on the plus strand (C>G on the coding strand, the complement: IRF2BP2 is on the minus strand). VCF-style: chr1-234608960-G-C. GRCh37 (hg19) VCF-style: chr1-234744706-G-C.
Other names: c.535C>G, p.Arg179Gly (NM_001077397.1); short protein forms R179G.
Identifiers: ClinVar variation 1030391 (VCV001030391.5), dbSNP rs1367122613, ClinGen allele CA345309807.